The following is an entry in ClinVar:

NM_004336.5(BUB1):c.908T>G (p.Val303Gly)

Gene: BUB1 (BUB1 mitotic checkpoint serine/threonine kinase; minus strand). Cytogenetic location: 2q13.
Variant type: single nucleotide variant.
Coding change: c.908T>G on transcript NM_004336.5 (MANE Select); coding-DNA position 908, T replaced by G.
Protein change: p.Val303Gly; replaces valine 303 with glycine.
Molecular consequence: missense variant.
Genome position (GRCh38, 1-based): chr2:110,666,312, A>C on the plus strand (T>G on the coding strand, the complement: BUB1 is on the minus strand). VCF-style: chr2-110666312-A-C. GRCh37 (hg19) VCF-style: chr2-111423889-A-C.
Other names: c.848T>G, p.Val283Gly (NM_001278616.2); c.908T>G, p.Val303Gly (NM_001278617.2); short protein forms V283G, V303G.
Identifiers: ClinVar variation 3224129 (VCV003224129.1), dbSNP rs2468025862, ClinGen allele CA348216423.

ClinVar aggregate classification (germline): Uncertain significance (1 of 4 stars; one submission).

Submission:

Ambry Genetics
Classification: Uncertain significance. Last evaluated: 2024-02-02. Review status: criteria provided, single submitter. Criteria: Ambry Variant Classification Scheme 2023. Collection method: clinical testing. Allele origin: germline.
Comment: The p.V303G variant (also known as c.908T>G), located in coding exon 9 of the BUB1 gene, results from a T to G substitution at nucleotide position 908. The valine at codon 303 is replaced by glycine, an amino acid with dissimilar properties. This amino acid position is conserved. In addition, this alteration is predicted to be tolerated by in silico analysis. Based on the available evidence, the clinical significance of this alteration remains unclear.